The following continues an entry in ClinVar:

NM_000059.4(BRCA2):c.10234A>G (p.Ile3412Val)

Gene: BRCA2. ClinVar aggregate classification (germline): Benign. Benign (1).

Submissions 18 to 47 of 47:

Baylor Genetics
Classification: Benign for Familial cancer of breast. Last evaluated: 2017-02-23. Review status: criteria provided, single submitter. Criteria: ACMG Guidelines, 2015. Collection method: clinical testing. Allele origin: germline. Inheritance: Autosomal dominant inheritance. Affected: no. Not counted in ClinVar's aggregate classification.

Center for Pediatric Genomic Medicine, Children's Mercy Hospital and Clinics
Classification: Benign. Last evaluated: 2016-06-28. Review status: criteria provided, single submitter. Criteria: ACMG Guidelines, 2015. Collection method: clinical testing. Allele origin: germline. Not counted in ClinVar's aggregate classification.

Laboratory for Molecular Medicine, Mass General Brigham Personalized Medicine
Classification: Benign. Last evaluated: 2016-03-28. Review status: criteria provided, single submitter. Criteria: LMM Criteria. Collection method: clinical testing. Allele origin: germline. Not counted in ClinVar's aggregate classification.
Comment: Variant identified in a genome or exome case(s) and assessed due to predicted null impact of the variant or pathogenic assertions in the literature or databases. Disclaimer: This variant has not undergone full assessment. The following are preliminary notes: Frequency

Vantari Genetics
Classification: Benign for Hereditary cancer-predisposing syndrome. Last evaluated: 2016-01-06. Review status: criteria provided, single submitter. Criteria: ACMG Guidelines, 2015. Collection method: clinical testing. Allele origin: germline. Not counted in ClinVar's aggregate classification.

Clinical Genetics DNA and cytogenetics Diagnostics Lab, Erasmus MC, Erasmus Medical Center
Classification: Benign for Breast-ovarian cancer, familial, susceptibility to, 2. Last evaluated: 2015-09-21. Review status: criteria provided, single submitter. Criteria: ACGS Guidelines, 2013. Collection method: clinical testing. Allele origin: germline. Affected: yes. Study: VKGL Data-share Consensus. Not counted in ClinVar's aggregate classification.

CHEO Genetics Diagnostic Laboratory, Children's Hospital of Eastern Ontario
Classification: Benign for Breast and/or ovarian cancer. Last evaluated: 2015-07-10. Review status: criteria provided, single submitter. Criteria: ACMG Guidelines, 2015. Collection method: clinical testing. Allele origin: germline. Study: Canadian Open Genetics Repository. Not counted in ClinVar's aggregate classification.

Eurofins Ntd Llc (ga)
Classification: Benign. Last evaluated: 2015-03-19. Review status: criteria provided, single submitter. Criteria: EGL Classification Definitions 2015. Collection method: clinical testing. Allele origin: germline. Observed: 25 variant alleles, 25 heterozygotes. Not counted in ClinVar's aggregate classification.

Ambry Genetics
Classification: Benign for Hereditary cancer-predisposing syndrome. Last evaluated: 2014-11-19. Review status: criteria provided, single submitter. Criteria: Ambry Variant Classification Scheme 2023. Collection method: clinical testing. Allele origin: germline. Not counted in ClinVar's aggregate classification.

Color Diagnostics, LLC DBA Color Health
Classification: Benign for Hereditary cancer-predisposing syndrome. Last evaluated: 2014-11-05. Review status: criteria provided, single submitter. Criteria: ACMG Guidelines, 2015. Collection method: clinical testing. Allele origin: germline. Not counted in ClinVar's aggregate classification.

Molecular Genetics Laboratory, University of Michigan
Classification: Benign for Breast-ovarian cancer, familial, susceptibility to, 2. Last evaluated: 2014-11-03. Review status: criteria provided, single submitter. Criteria: ACMG Guidelines, 2015. Collection method: clinical testing. Allele origin: germline. Affected: yes. Not counted in ClinVar's aggregate classification.

Genome Diagnostics Laboratory, University Medical Center Utrecht
Classification: Benign for Breast-ovarian cancer, familial, susceptibility to, 2. Last evaluated: 2014-10-09. Review status: criteria provided, single submitter. Criteria: ACGS Guidelines, 2013. Collection method: clinical testing. Allele origin: germline. Affected: yes. Study: VKGL Data-share Consensus. Not counted in ClinVar's aggregate classification.

Women's Health and Genetics/Laboratory Corporation of America, LabCorp
Classification: Benign for Hereditary breast ovarian cancer syndrome. Last evaluated: 2014-01-13. Review status: criteria provided, single submitter. Criteria: LabCorp Variant Classification Summary - May 2015. Collection method: clinical testing. Allele origin: germline. Not counted in ClinVar's aggregate classification.

Breakthrough Genomics
Classification: Benign. Review status: criteria provided, single submitter. Criteria: ACMG Guidelines, 2015. Collection method: not provided. Allele origin: germline. Inheritance: Autosomal recessive inheritance. Affected: yes. Not counted in ClinVar's aggregate classification.

Clinical and Functional Genomics Group, A.C.Camargo Cancer Center
Classification: Uncertain significance for Breast Cancer. Review status: criteria provided, single submitter. Criteria: Carraro et al. (PLoS One. 2013). Collection method: research. Allele origin: germline. Affected: yes. Not counted in ClinVar's aggregate classification.

PreventionGenetics, part of Exact Sciences
Classification: Likely benign. Review status: criteria provided, single submitter. Criteria: ACMG Guidelines, 2015. Collection method: clinical testing. Allele origin: germline. Not counted in ClinVar's aggregate classification.

BRCAlab, Lund University
Classification: Benign for Breast-ovarian cancer, familial, susceptibility to, 2. Last evaluated: 2020-03-02. Review status: no assertion criteria provided. Collection method: clinical testing. Allele origin: germline. Affected: yes. Not counted in ClinVar's aggregate classification.

True Health Diagnostics
Classification: Benign for Hereditary cancer-predisposing syndrome. Last evaluated: 2018-03-02. Review status: no assertion criteria provided. Collection method: clinical testing. Allele origin: germline. Not counted in ClinVar's aggregate classification.

Mayo Clinic Laboratories, Mayo Clinic
Classification: Benign. Last evaluated: 2016-12-19. Review status: no assertion criteria provided. Collection method: clinical testing. Allele origin: unknown. Not counted in ClinVar's aggregate classification.

Research Molecular Genetics Laboratory, Women's College Hospital, University of Toronto
Classification: Benign. Last evaluated: 2014-01-31. Review status: no assertion criteria provided. Collection method: research. Allele origin: germline. Affected: yes. Study: The Canadian Open Genetics Repository (COGR). Not counted in ClinVar's aggregate classification.

Counsyl
Classification: Benign for Breast-ovarian cancer, familial 2. Last evaluated: 2014-01-02. Review status: no assertion criteria provided. Collection method: literature only. Allele origin: unknown. Inheritance: Autosomal dominant inheritance. Not counted in ClinVar's aggregate classification.

ITMI
No classification provided. Condition: AllHighlyPenetrant. Last evaluated: 2013-09-19. Review status: no classification provided. Collection method: reference population. Allele origin: germline. Not counted in ClinVar's aggregate classification.
Comment: Please see associated publication for description of ethnicities

Breast Cancer Information Core (BIC) (BRCA2)
Classification: Uncertain significance for Breast-ovarian cancer, familial 2. Last evaluated: 2013-02-05. Review status: no assertion criteria provided. Collection method: clinical testing. Allele origin: germline. Affected: yes. Observed: 115 variant alleles. Not counted in ClinVar's aggregate classification.

Biesecker Lab/Clinical Genomics Section, National Institutes of Health
Classification: Benign. Last evaluated: 2012-07-13. Review status: no assertion criteria provided. Collection method: research. Allele origin: germline. Affected: no. Observed: 9 variant alleles. Study: ClinSeq. Not counted in ClinVar's aggregate classification.
ClinVar note: Converted during submission from no known pathogenicity to Benign.

Sharing Clinical Reports Project (SCRP)
Classification: Benign for Breast-ovarian cancer, familial 2. Last evaluated: 2011-03-14. Review status: no assertion criteria provided. Collection method: clinical testing. Allele origin: germline. Not counted in ClinVar's aggregate classification.

Center for Precision Medicine, Meizhou People's Hospital
Classification: Likely benign for Familial cancer of breast. Review status: no assertion criteria provided. Collection method: literature only. Allele origin: germline. Affected: yes. Not counted in ClinVar's aggregate classification.

Clinical Genetics Laboratory, Department of Pathology, Netherlands Cancer Institute
Classification: Benign. Review status: no assertion criteria provided. Collection method: clinical testing. Allele origin: germline. Affected: yes. Study: VKGL Data-share Consensus. Not counted in ClinVar's aggregate classification.

Department of Pathology and Laboratory Medicine, Sinai Health System
Classification: Benign for Malignant tumor of breast. Review status: no assertion criteria provided. Collection method: clinical testing. Allele origin: unknown. Affected: yes. Study: The Canadian Open Genetics Repository (COGR). Not counted in ClinVar's aggregate classification.
Comment: The p.Ile3412Val variant has been previously reported in the literature in 59 of 4707 (frequency of 0.006) probands with breast or esophageal cancer and was also identified in 33 of 5486 (frequency of 0.003) controls increasing the likelihood that this is a low frequency benign variant (Capanu_2011_21520273, Vehmanen_1997_ 9150152, Freedman_2004_15317758, Johnson_2007Â¬â‰ _17341484, Bergthorsson_2001_11389159, Kuusisto_2011_Â¬â‰ 21356067, Palmieri_2002_12453858, Hu_2004_14647438). The variant was also identified in the LOVD (4X), UMD (30X), and BIC (111X) databases. It is listed in dbSNP database as coming from a "clinical source" (ID#: rs1801426) with a global minor allele frequency (MAF) of 0.043 (1000 genomes), increasing the likelihood that this is a low frequency benign variant. The Ile3412 residue is not highly conserved in mammals and computational analyses (SIFT, AlignGVGD) do not predict any effect on the protein function. In the UMD database, this variant has been identified in three individuals with a second pathogenic variant with a breast or ovarian cancer phenotype, and also found co-occurring with a deleterious BRCA2 mutation 1493delA in a cell line derived from a primary breast cancer (Teng 1996), thereby increasing the likelihood that this variant does not have clinical significance. In addition, Myriad genetics has reported this variant as a polymorphism increasing the likelihood this variant is benign (personal communication). In summary, based on the above information, this variant is classified as benign

Diagnostic Laboratory, Department of Genetics, University Medical Center Groningen
Classification: Benign for Breast-ovarian cancer, familial, susceptibility to, 2. Review status: no assertion criteria provided. Collection method: clinical testing. Allele origin: germline. Affected: yes. Study: VKGL Data-share Consensus. Not counted in ClinVar's aggregate classification.

Joint Genome Diagnostic Labs from Nijmegen and Maastricht, Radboudumc and MUMC+
Classification: Benign. Review status: no assertion criteria provided. Collection method: clinical testing. Allele origin: germline. Affected: yes. Study: VKGL Data-share Consensus. Not counted in ClinVar's aggregate classification.

Laboratory of Diagnostic Genome Analysis, Leiden University Medical Center (LUMC)
Classification: Benign. Review status: no assertion criteria provided. Collection method: clinical testing. Allele origin: germline. Affected: yes. Study: VKGL Data-share Consensus. Not counted in ClinVar's aggregate classification.

Literature cited by the submitters: DOI 10.3389/fgene.2022.834265 (cited by National Health Laboratory Service, Universitas Academic Hospital and University of the Free State); PubMed 36329109 (cited by Genetics Program, Instituto Nacional de Cancer); PubMed 21356067 (cited by 3 submitters); PubMed 15317758 (cited by Women's Health and Genetics/Laboratory Corporation of America, LabCorp); PubMed 24884479 (cited by Clinical and Functional Genomics Group, A.C.Camargo Cancer Center and Center for Precision Medicine, Meizhou People's Hospital); PubMed 17341484 (cited by Counsyl and Center for Precision Medicine, Meizhou People's Hospital); PubMed 9150152 (cited by Counsyl); PubMed 11389159 (cited by Counsyl); PubMed 24728327 (cited by ITMI); PubMed 23469205 (cited by Center for Precision Medicine, Meizhou People's Hospital).